The following is an entry in ClinVar:

NM_016373.4(WWOX):c.800A>G (p.Asp267Gly)

Gene: WWOX (WW domain containing oxidoreductase; plus strand). Cytogenetic location: 16q23.1.
Variant type: single nucleotide variant.
Coding change: c.800A>G on transcript NM_016373.4 (MANE Select); coding-DNA position 800, A replaced by G.
Protein change: p.Asp267Gly; replaces aspartic acid 267 with glycine.
Molecular consequence: missense variant.
Genome position (GRCh38, 1-based): chr16:78,432,496, A>G. VCF-style: chr16-78432496-A-G. GRCh37 (hg19) VCF-style: chr16-78466393-A-G.
Other names: c.461A>G, p.Asp154Gly (NM_001291997.2); short protein forms D154G, D267G.
Identifiers: ClinVar variation 2058475 (VCV002058475.1), dbSNP rs1466598115, ClinGen allele CA396843041.

ClinVar aggregate classification (germline): Uncertain significance (1 of 4 stars; one submission).

Conditions:
Developmental and epileptic encephalopathy, 1 (DEE1). Also called: X-linked infantile spasms; West's syndrome; Tonic spasms with clustering, arrest of psychomotor development and hypsarrhythmia on EEG; X-Linked Infantile Spasm Syndrome; INFANTILE SPASM SYNDROME, X-LINKED 1; Epileptic encephalopathy, early infantile, 1. Identifiers: MedGen C3463992, MONDO:0010632, OMIM 308350. Disease mechanism: loss of function.
Autosomal recessive spinocerebellar ataxia 12. Also called: SPINOCEREBELLAR ATAXIA WITH MENTAL RETARDATION AND EPILEPSY. Identifiers: Orphanet 284282, MedGen C3280452, MONDO:0013687, OMIM 614322.

Allele frequency attached by ClinVar (database versions not stated): gnomAD exomes below 0.00001; gnomAD 0.00001.
gnomAD v4.1: 2 of 1,613,942 alleles (0.00012%); highest among the groups gnomAD compares: African/African-American, 0.0013%; no homozygotes.

Submission:

Labcorp Genetics (formerly Invitae), Labcorp
Classification: Uncertain significance for Developmental and epileptic encephalopathy, 1; Autosomal recessive spinocerebellar ataxia 12. Last evaluated: 2021-12-20. Review status: criteria provided, single submitter. Criteria: Invitae Variant Classification Sherloc (09022015). Collection method: clinical testing. Allele origin: germline.
Comment: This sequence change replaces aspartic acid, which is acidic and polar, with glycine, which is neutral and non-polar, at codon 267 of the WWOX protein (p.Asp267Gly). This variant is present in population databases (no rsID available, gnomAD 0.01%). This variant has not been reported in the literature in individuals affected with WWOX-related conditions. Algorithms developed to predict the effect of missense changes on protein structure and function are either unavailable or do not agree on the potential impact of this missense change (SIFT: "Not Available"; PolyPhen-2: "Benign"; Align-GVGD: "Not Available"). Algorithms developed to predict the effect of sequence changes on RNA splicing suggest that this variant may create or strengthen a splice site. In summary, the available evidence is currently insufficient to determine the role of this variant in disease. Therefore, it has been classified as a Variant of Uncertain Significance.